The following is an entry in ClinVar:

NM_000168.6(GLI3):c.2128C>T (p.Gln710Ter)

Gene: GLI3 (GLI family zinc finger 3; minus strand). Cytogenetic location: 7p14.1.
Variant type: single nucleotide variant.
Coding change: c.2128C>T on transcript NM_000168.6 (MANE Select); coding-DNA position 2128, C replaced by T.
Protein change: p.Gln710Ter; replaces glutamine 710 with a stop codon.
Molecular consequence: nonsense.
Genome position (GRCh38, 1-based): chr7:41,967,899, G>A on the plus strand (C>T on the coding strand, the complement: GLI3 is on the minus strand). VCF-style: chr7-41967899-G-A. GRCh37 (hg19) VCF-style: chr7-42007497-G-A.
Other names: short protein forms Q710*.
Identifiers: ClinVar variation 3382660 (VCV003382660.2).

ClinVar aggregate classification (germline): Pathogenic (1 of 4 stars; one submission).

Conditions:
Polydactyly, postaxial, type A1. Identifiers: MedGen C4282400, MONDO:0008266, OMIM 174200.
Greig cephalopolysyndactyly syndrome (GCPS). Also called: POLYSYNDACTYLY WITH PECULIAR SKULL SHAPE; Greig syndrome; GLI3-Related Greig Cephalopolysyndactyly Syndrome. Identifiers: Orphanet 380, MedGen C0265306, MONDO:0008287, OMIM 175700.
Pallister-Hall syndrome (PHS). Also called: HYPOTHALAMIC HAMARTOBLASTOMA, HYPOPITUITARISM, IMPERFORATE ANUS, AND POSTAXIAL POLYDACTYLY; GLI3-Related Pallister-Hall Syndrome. Identifiers: Orphanet 672, MedGen C0265220, MONDO:0007804, OMIM 146510.
Polysyndactyly 4. Also called: Polysyndactyly uncomplicated; Preaxial polydactyly 4. Identifiers: Orphanet 93338, MedGen C1868111, MONDO:0008272, OMIM 174700.

Submission:

Juno Genomics, Hangzhou Juno Genomics, Inc
Classification: Pathogenic for Greig cephalopolysyndactyly syndrome; Pallister-Hall syndrome; Polydactyly, postaxial, type A1; Polysyndactyly 4. Review status: criteria provided, single submitter. Criteria: ACMG Guidelines, 2015. Collection method: clinical testing. Allele origin: germline. Affected: yes.
Comment: Null variant in a gene where loss of function (LOF) is a known mechanism of disease.;Absent from controls (or at extremely low frequency if recessive) in Genome Aggregation Database, Exome Sequencing Project, 1000 Genomes Project, or Exome Aggregation Consortium.;Patient's phenotype or family history is highly specific for a disease with a single genetic etiology.